The following is an entry in ClinVar:

NM_001105206.3(LAMA4):c.4718G>A (p.Arg1573Gln)

Gene: LAMA4 (laminin subunit alpha 4; minus strand). Cytogenetic location: 6q21.
Variant type: single nucleotide variant.
Coding change: c.4718G>A on transcript NM_001105206.3 (MANE Select); coding-DNA position 4718, G replaced by A.
Protein change: p.Arg1573Gln; replaces arginine 1573 with glutamine.
Molecular consequence: missense variant.
Genome position (GRCh38, 1-based): chr6:112,119,259, C>T on the plus strand (G>A on the coding strand, the complement: LAMA4 is on the minus strand). VCF-style: chr6-112119259-C-T. GRCh37 (hg19) VCF-style: chr6-112440462-C-T.
Other names: c.4697G>A, p.Arg1566Gln (NM_001105207.3, NM_002290.5); short protein forms R1573Q, R1566Q.
Identifiers: ClinVar variation 2177412 (VCV002177412.8), dbSNP rs191973184, ClinGen allele CA3964919.

ClinVar aggregate classification (germline): Conflicting classifications of pathogenicity. Review status: criteria provided, conflicting classifications (1 of 4 stars). 3 submissions from 3 submitters: Uncertain significance (2); Likely benign (1). Last evaluated 2026-01-01.

Conditions:
Dilated cardiomyopathy 1JJ (CMD1JJ). Identifiers: Orphanet 154, MedGen C3808935, MONDO:0014095, OMIM 615235.
Cardiovascular phenotype. Identifiers: MedGen CN230736.

Allele frequency attached by ClinVar (database versions not stated): gnomAD 0.00003; gnomAD exomes 0.00003; TOPMed 0.00003; ExAC 0.00008; ESP Exome Variant Server 0.00008; 1000 Genomes Project 30x 0.00016; 1000 Genomes Project 0.00020.
gnomAD v4.1: 45 of 1,614,000 alleles (0.0028%); highest among the groups gnomAD compares: Admixed American, 0.027%; no homozygotes.

Submissions (3):

Labcorp Genetics (formerly Invitae), Labcorp
Classification: Uncertain significance for Dilated cardiomyopathy 1JJ. Last evaluated: 2026-01-01. Review status: criteria provided, single submitter. Criteria: Invitae Variant Classification Sherloc (09022015). Collection method: clinical testing. Allele origin: germline.
Comment: This sequence change replaces arginine, which is basic and polar, with glutamine, which is neutral and polar, at codon 1566 of the LAMA4 protein (p.Arg1566Gln). This variant is present in population databases (rs191973184, gnomAD 0.04%), and has an allele count higher than expected for a pathogenic variant. This variant has not been reported in the literature in individuals affected with LAMA4-related conditions. ClinVar contains an entry for this variant (Variation ID: 2177412). Invitae Evidence Modeling of protein sequence and biophysical properties (such as structural, functional, and spatial information, amino acid conservation, physicochemical variation, residue mobility, and thermodynamic stability) indicates that this missense variant is not expected to disrupt LAMA4 protein function with a negative predictive value of 80%. In summary, the available evidence is currently insufficient to determine the role of this variant in disease. Therefore, it has been classified as a Variant of Uncertain Significance.

Women's Health and Genetics/Laboratory Corporation of America, LabCorp
Classification: Likely benign. Last evaluated: 2025-09-30. Review status: criteria provided, single submitter. Criteria: LabCorp Variant Classification Summary - May 2015. Collection method: clinical testing. Allele origin: germline.

Ambry Genetics
Classification: Uncertain significance for Cardiovascular phenotype. Last evaluated: 2025-08-27. Review status: criteria provided, single submitter. Criteria: Ambry Variant Classification Scheme 2023. Collection method: clinical testing. Allele origin: germline.